The following is an entry in ClinVar:

ClinVar aggregate classification (germline): Uncertain significance. Review status: criteria provided, multiple submitters, no conflicts (2 of 4 stars). 4 submissions from 4 submitters: Uncertain significance (3). 1 of the submissions does not count toward it. Last evaluated 2025-12-17.

Conditions:
Left ventricular noncompaction 8 (LVNC8). Identifiers: Orphanet 154, Orphanet 54260, MedGen C3809288, MONDO:0014152, OMIM 615373.
Inborn genetic diseases. Identifiers: MedGen C0950123, MeSH D030342.
PRDM16-related disorder. Also called: PRDM16-related condition.

Allele frequency attached by ClinVar (database versions not stated): gnomAD exomes 0.00001.
gnomAD v4.1: 10 of 1,612,574 alleles (0.00062%); highest among the groups gnomAD compares: Admixed American, 0.0017%; no homozygotes.

Submissions (4):

Labcorp Genetics (formerly Invitae), Labcorp
Classification: Uncertain significance for Left ventricular noncompaction 8. Last evaluated: 2025-12-17. Review status: criteria provided, single submitter. Criteria: Invitae Variant Classification Sherloc (09022015). Collection method: clinical testing. Allele origin: germline.
Comment: This sequence change replaces glycine, which is neutral and non-polar, with arginine, which is basic and polar, at codon 690 of the PRDM16 protein (p.Gly690Arg). This variant is present in population databases (no rsID available, gnomAD 0.003%). This variant has not been reported in the literature in individuals affected with PRDM16-related conditions. ClinVar contains an entry for this variant (Variation ID: 541384). An algorithm developed to predict the effect of missense changes on protein structure and function (PolyPhen-2) suggests that this variant is likely to be tolerated. In summary, the available evidence is currently insufficient to determine the role of this variant in disease. Therefore, it has been classified as a Variant of Uncertain Significance.

Ambry Genetics
Classification: Uncertain significance for Inborn genetic diseases. Last evaluated: 2024-05-29. Review status: criteria provided, single submitter. Criteria: Ambry Variant Classification Scheme 2023. Collection method: clinical testing. Allele origin: germline.

GeneDx
Classification: Uncertain significance. Last evaluated: 2023-05-19. Review status: criteria provided, single submitter. Criteria: GeneDx Variant Classification Process June 2021. Collection method: clinical testing. Allele origin: germline. Affected: yes.
Comment: Has not been previously published as pathogenic or benign to our knowledge; Not observed at significant frequency in large population cohorts (gnomAD); In silico analysis supports that this missense variant does not alter protein structure/function

PreventionGenetics, part of Exact Sciences
Classification: Uncertain significance for PRDM16-related condition. Last evaluated: 2024-06-20. Review status: no assertion criteria provided. Collection method: clinical testing. Allele origin: germline. Not counted in ClinVar's aggregate classification.
Comment: The PRDM16 c.2068G>A variant is predicted to result in the amino acid substitution p.Gly690Arg. To our knowledge, this variant has not been reported in the literature. This variant is reported in 0.0033% of alleles in individuals of South Asian descent in gnomAD. At this time, the clinical significance of this variant is uncertain due to the absence of conclusive functional and genetic evidence.

NM_022114.4(PRDM16):c.2068G>A (p.Gly690Arg)

Gene: PRDM16 (PR/SET domain 16; plus strand). Cytogenetic location: 1p36.32.
Variant type: single nucleotide variant.
Coding change: c.2068G>A on transcript NM_022114.4 (MANE Select); coding-DNA position 2068, G replaced by A.
Protein change: p.Gly690Arg; replaces glycine 690 with arginine.
Molecular consequence: missense variant.
Genome position (GRCh38, 1-based): chr1:3,412,265, G>A. VCF-style: chr1-3412265-G-A. GRCh37 (hg19) VCF-style: chr1-3328829-G-A.
Other names: c.2068G>A, p.Gly690Arg (NM_199454.3); short protein forms G690R.
Identifiers: ClinVar variation 541384 (VCV000541384.13), dbSNP rs1408714731, ClinGen allele CA337999604.
Genomic context (GRCh38, chr1:3,412,265, plus strand): 5'-TCCCAGCACTCATTCTTCCCGCCACCCGACGAGCAGCTGCTGACTGCAACGGGCGCCGCC[G>A]GGGACTCCATCAAGGCCATCGCATCCATTGCCGAGAAGTACTTTGGCCCCGGCTTCATGG-3'
Protein context (NP_071397.3, residues 680-700): EQLLTATGAA[Gly690Arg]DSIKAIASIA